The following is an entry in ClinVar:

ClinVar aggregate classification (germline): Uncertain significance (1 of 4 stars; one submission).

Submission:

GeneDx
Classification: Uncertain significance. Last evaluated: 2022-12-19. Review status: criteria provided, single submitter. Criteria: GeneDx Variant Classification Process June 2021. Collection method: clinical testing. Allele origin: germline. Affected: yes.
Comment: Not observed at significant frequency in large population cohorts (gnomAD); In silico analysis supports that this missense variant has a deleterious effect on protein structure/function; Has not been previously published as pathogenic or benign to our knowledge

NM_001127222.2(CACNA1A):c.781A>G (p.Thr261Ala)

Gene: CACNA1A (calcium voltage-gated channel subunit alpha1 A; minus strand). Cytogenetic location: 19p13.13.
Variant type: single nucleotide variant.
Coding change: c.781A>G on transcript NM_001127222.2 (MANE Select); coding-DNA position 781, A replaced by G.
Protein change: p.Thr261Ala; replaces threonine 261 with alanine.
Molecular consequence: missense variant.
Genome position (GRCh38, 1-based): chr19:13,365,320, T>C on the plus strand (A>G on the coding strand, the complement: CACNA1A is on the minus strand). VCF-style: chr19-13365320-T-C. GRCh37 (hg19) VCF-style: chr19-13476134-T-C.
Other names: c.781A>G, p.Thr261Ala (NM_000068.4, NM_001127221.2, NM_001174080.2 and 1 more transcripts); short protein forms T261A.
Identifiers: ClinVar variation 1806813 (VCV001806813.1), dbSNP rs2513175255, ClinGen allele CA404348202.